The following is an entry in ClinVar:

NM_000053.4(ATP7B):c.2720A>G (p.Gln907Arg)

Gene: ATP7B (ATPase copper transporting beta; minus strand). Cytogenetic location: 13q14.3.
Variant type: single nucleotide variant.
Coding change: c.2720A>G on transcript NM_000053.4 (MANE Select); coding-DNA position 2720, A replaced by G.
Protein change: p.Gln907Arg; replaces glutamine 907 with arginine.
Molecular consequence: missense variant.
Genome position (GRCh38, 1-based): chr13:51,950,017, T>C on the plus strand (A>G on the coding strand, the complement: ATP7B is on the minus strand). VCF-style: chr13-51950017-T-C. GRCh37 (hg19) VCF-style: chr13-52524153-T-C.
Other names: c.2234A>G, p.Gln745Arg (NM_001005918.3, NM_001406541.1, NM_001406542.1 and 1 more transcripts); c.2387A>G, p.Gln796Arg (NM_001243182.2); c.2486A>G, p.Gln829Arg (NM_001330578.2, NM_001406527.1, NM_001406528.1 and 2 more transcripts); c.2468A>G, p.Gln823Arg (NM_001330579.2, NM_001406531.1, NM_001406532.1 and 1 more transcripts); c.2720A>G, p.Gln907Arg (NM_001406511.1, NM_001406512.1, NM_001406513.1 and 7 more transcripts); c.2687A>G, p.Gln896Arg (NM_001406514.1); c.2624A>G, p.Gln875Arg (NM_001406517.1, NM_001406518.1); c.2576A>G, p.Gln859Arg (NM_001406520.1, NM_001406521.1, NM_001406522.1 and 1 more transcripts); and 8 more; short protein forms Q477R, Q764R, Q829R, Q896R, Q713R, Q745R, Q691R, Q797R.
Identifiers: ClinVar variation 2152192 (VCV002152192.7), dbSNP rs2547669800, ClinGen allele CA388034115.
Genomic context (GRCh38, chr13:51,950,017, plus strand): 5'-AATTTCTAAAACGAGAAAGATGAAGTTAGTTTTAAAAATTTCTTCATTACCTTTGACATC[T>C]GAGCCTCTTCCACCAGTTTCACAATCTGAGCCAAAGTGGTGTCATTGCCCACGTGGGTAG-3'
Protein context (NP_000044.2, residues 897-917): AQIVKLVEEA[Gln907Arg]MSKAPIQQLA

ClinVar aggregate classification (germline): Conflicting classifications of pathogenicity. Review status: criteria provided, conflicting classifications (1 of 4 stars). 5 submissions from 5 submitters: Likely pathogenic (1); Uncertain significance (4). Last evaluated 2024-06-12.

Conditions:
Wilson disease (WND). Also called: Wilson's disease. Identifiers: Orphanet 905, MedGen C0019202, MONDO:0010200, OMIM 277900. Disease mechanism: loss of function.

Submissions (5):

Blueprint Genetics
Classification: Uncertain significance. Last evaluated: 2024-06-12. Review status: criteria provided, single submitter. Criteria: ACMG Guidelines, 2015. Collection method: clinical testing. Allele origin: germline.

Fulgent Genetics
Classification: Likely pathogenic for Wilson disease. Last evaluated: 2024-02-27. Review status: criteria provided, single submitter. Criteria: ACMG Guidelines, 2015. Collection method: clinical testing. Allele origin: germline.

All of Us Research Program, National Institutes of Health
Classification: Uncertain significance for Wilson disease. Last evaluated: 2023-11-28. Review status: criteria provided, single submitter. Criteria: ACMG Guidelines, 2015. Collection method: clinical testing. Allele origin: germline. Inheritance: Autosomal recessive inheritance. Observed: 2 variant alleles, 2 heterozygotes.
Comment: This missense variant replaces glutamine with arginine at codon 907 of the ATP7B protein. Computational prediction suggests that this variant may have deleterious impact on protein structure and function (internally defined REVEL score threshold >= 0.7, PMID: 27666373). To our knowledge, functional studies have not been reported for this variant. This variant has been reported in an individual affected with Wilson disease who carried an additional homozygous change (PMID: 30230192). This variant has not been identified in the general population by the Genome Aggregation Database (gnomAD). The available evidence is insufficient to determine the role of this variant in disease conclusively. Therefore, this variant is classified as a Variant of Uncertain Significance.

This study involves interpretation of variants in research participants for the purpose of population health screening. Participant phenotype was not available at the time of variant classification. Additional details can be found in publication PMID: 35346344, PMCID: PMC8962531

Labcorp Genetics (formerly Invitae), Labcorp
Classification: Uncertain significance for Wilson disease. Last evaluated: 2023-08-17. Review status: criteria provided, single submitter. Criteria: Invitae Variant Classification Sherloc (09022015). Collection method: clinical testing. Allele origin: germline.
Comment: In summary, the available evidence is currently insufficient to determine the role of this variant in disease. Therefore, it has been classified as a Variant of Uncertain Significance. Advanced modeling of protein sequence and biophysical properties (such as structural, functional, and spatial information, amino acid conservation, physicochemical variation, residue mobility, and thermodynamic stability) performed at Invitae indicates that this missense variant is expected to disrupt ATP7B protein function. ClinVar contains an entry for this variant (Variation ID: 2152192). This missense change has been observed in individual(s) with clinical features of Wilson disease (PMID: 30230192; Invitae). In at least one individual the data is consistent with being in trans (on the opposite chromosome) from a pathogenic variant. This variant is not present in population databases (gnomAD no frequency). This sequence change replaces glutamine, which is neutral and polar, with arginine, which is basic and polar, at codon 907 of the ATP7B protein (p.Gln907Arg).

Color Diagnostics, LLC DBA Color Health
Classification: Uncertain significance for Wilson disease. Last evaluated: 2022-04-28. Review status: criteria provided, single submitter. Criteria: ACMG Guidelines, 2015. Collection method: clinical testing. Allele origin: germline.
Comment: This missense variant replaces glutamine with arginine at codon 907 of the ATP7B protein. Computational prediction suggests that this variant may have deleterious impact on protein structure and function. To our knowledge, functional studies have not been reported for this variant. This variant has been reported in an individual affected with Wilson disease who carried an additional homozygous change (PMID: 30230192). This variant has not been identified in the general population by the Genome Aggregation Database (gnomAD). The available evidence is insufficient to determine the role of this variant in disease conclusively. Therefore, this variant is classified as a Variant of Uncertain Significance.

Literature cited by the submitters: PubMed 30230192 (cited by 3 submitters).